The following is an entry in ClinVar:

ClinVar aggregate classification (germline): Benign. Review status: criteria provided, multiple submitters, no conflicts (2 of 4 stars). 2 submissions from 2 submitters: Benign (2). Last evaluated 2018-06-15.

Allele frequency attached by ClinVar (database versions not stated): gnomAD 0.27310 and 0.28255; TOPMed 0.27455; 1000 Genomes Project 30x 0.29279; 1000 Genomes Project 0.29952; gnomAD exomes 0.35116.
gnomAD v4.1: 418,224 of 1,220,270 alleles (34%); highest among the groups gnomAD compares: South Asian, 46%; 75,217 homozygotes.

Submissions (2):

GeneDx
Classification: Benign. Last evaluated: 2018-06-15. Review status: criteria provided, single submitter. Criteria: GeneDx Variant Classification (06012015). Collection method: clinical testing. Allele origin: germline. Affected: yes.
Comment: This variant is considered likely benign or benign based on one or more of the following criteria: it is a conservative change, it occurs at a poorly conserved position in the protein, it is predicted to be benign by multiple in silico algorithms, and/or has population frequency not consistent with disease.

Breakthrough Genomics
Classification: Benign. Review status: criteria provided, single submitter. Criteria: ACMG Guidelines, 2015. Collection method: not provided. Allele origin: germline. Inheritance: Unknown mechanism. Affected: yes.

NM_006393.3(NEBL):c.2762-70G>A

Gene: NEBL (nebulette; minus strand). Cytogenetic location: 10p12.31.
Variant type: single nucleotide variant.
Coding change: c.2762-70G>A on transcript NM_006393.3 (MANE Select); 70 bases into the intron before coding-DNA position 2762, G replaced by A.
Molecular consequence: intron variant.
Genome position (GRCh38, 1-based): chr10:20,787,378, C>T on the plus strand (G>A on the coding strand, the complement: NEBL is on the minus strand). VCF-style: chr10-20787378-C-T. GRCh37 (hg19) VCF-style: chr10-21076307-C-T.
Other names: c.422-70G>A (NM_001377326.1, NM_001377327.1, NM_001377328.1); c.530-70G>A (NM_213569.2, NM_001173484.2); c.623-70G>A (NM_001377322.1); c.473-70G>A (NM_001377324.1); c.464-70G>A (NM_001377325.1); c.482-70G>A (NM_001377323.1).
Identifiers: ClinVar variation 671175 (VCV000671175.2), dbSNP rs2296607, ClinGen allele CA13351165.